The following is an entry in ClinVar:

NM_000160.5(GCGR):c.144C>T (p.Ser48=)

Gene: GCGR (glucagon receptor; plus strand). Cytogenetic location: 17q25.3.
Variant type: single nucleotide variant.
Coding change: c.144C>T on transcript NM_000160.5 (MANE Select); coding-DNA position 144, C replaced by T.
Protein change: p.Ser48=; no amino-acid change (serine 48 retained).
Molecular consequence: synonymous variant.
Genome position (GRCh38, 1-based): chr17:81,809,865, C>T. VCF-style: chr17-81809865-C-T. GRCh37 (hg19) VCF-style: chr17-79767741-C-T.
Identifiers: ClinVar variation 3047477 (VCV003047477.3), dbSNP rs980081455, ClinGen allele CA295098084.
Genomic context (GRCh38, chr17:81,809,865, plus strand): 5'-GATGGACTTCCTGTTTGAGAAGTGGAAGCTCTACGGTGACCAGTGTCACCACAACCTGAG[C>T]CTGCTGCCCCCTCCCACGGGTGAGCCCCCCACCCAGAGCCTTTCAGCCTGTGCCTGGCCT-3'
Protein context (NP_000151.1, residues 38-58): LYGDQCHHNL[Ser48=]LLPPPTELVC

ClinVar aggregate classification (germline): Likely benign. Review status: criteria provided, single submitter (1 of 4 stars). 2 submissions from 2 submitters: Likely benign (1). 1 of the submissions does not count toward it. Last evaluated 2025-11-27.

Conditions:
GCGR-related disorder. Also called: GCGR-related condition.

Allele frequency attached by ClinVar (database versions not stated): TOPMed 0.00004; gnomAD 0.00005; gnomAD exomes 0.00008.
gnomAD v4.1: 111 of 1,536,296 alleles (0.0072%); highest among the groups gnomAD compares: Non-Finnish European, 0.0093%; no homozygotes.

Submissions (2):

Labcorp Genetics (formerly Invitae), Labcorp
Classification: Likely benign. Last evaluated: 2025-11-27. Review status: criteria provided, single submitter. Criteria: Invitae Variant Classification Sherloc (09022015). Collection method: clinical testing. Allele origin: germline.

PreventionGenetics, part of Exact Sciences
Classification: Likely benign for GCGR-related condition. Last evaluated: 2019-02-21. Review status: no assertion criteria provided. Collection method: clinical testing. Allele origin: germline. Not counted in ClinVar's aggregate classification.
Comment: This variant is classified as likely benign based on ACMG/AMP sequence variant interpretation guidelines (Richards et al. 2015 PMID: 25741868, with internal and published modifications).